The following is an entry in ClinVar:

NM_002474.3(MYH11):c.3721C>T (p.Arg1241Trp)

Gene: MYH11 (myosin heavy chain 11; minus strand). Cytogenetic location: 16p13.11.
Variant type: single nucleotide variant.
Coding change: c.3721C>T on transcript NM_002474.3 (MANE Select); coding-DNA position 3721, C replaced by T.
Protein change: p.Arg1241Trp; replaces arginine 1241 with tryptophan.
Molecular consequence: missense variant.
Genome position (GRCh38, 1-based): chr16:15,726,985, G>A on the plus strand (C>T on the coding strand, the complement: MYH11 is on the minus strand). VCF-style: chr16-15726985-G-A. GRCh37 (hg19) VCF-style: chr16-15820842-G-A.
Other names: c.3742C>T, p.Arg1248Trp (NM_001040113.2, NM_001040114.2); c.3721C>T, p.Arg1241Trp (NM_022844.3); c.3721C>T (NM_002474.2); short protein forms R1248W, R1241W.
Identifiers: ClinVar variation 534151 (VCV000534151.30), dbSNP rs771515309, ClinGen allele CA7921906.

ClinVar aggregate classification (germline): Uncertain significance. Review status: criteria provided, multiple submitters, no conflicts (2 of 4 stars). 7 submissions from 7 submitters: Uncertain significance (7). Last evaluated 2026-07-08.

Conditions:
Familial thoracic aortic aneurysm and aortic dissection (TAAD). Also called: Thoracic aortic aneurysms and dissections. Identifiers: Orphanet 91387, MedGen C4707243, MONDO:0019625.
Aortic aneurysm, familial thoracic 4 (AAT4). Also called: AORTIC ANEURYSM/AORTIC DISSECTION AND PATENT DUCTUS ARTERIOSUS. Identifiers: MedGen C1851504, MONDO:0007568, OMIM 132900.
Visceral myopathy 2. Identifiers: MedGen C5543466, MONDO:0859157, OMIM 619350.
Megacystis-microcolon-intestinal hypoperistalsis syndrome 2. Identifiers: MedGen C5543476, MONDO:0025708, OMIM 619351.

Allele frequency attached by ClinVar (database versions not stated): gnomAD 0.00001; ExAC 0.00002; gnomAD exomes 0.00002; TOPMed 0.00002.
gnomAD v4.1: 28 of 1,611,784 alleles (0.0017%); highest among the groups gnomAD compares: Middle Eastern, 0.13%; no homozygotes.

Submissions (7):

GeneDx
Classification: Uncertain significance. Last evaluated: 2026-07-08. Review status: criteria provided, single submitter. Criteria: GeneDx Variant Classification Process June 2021. Collection method: clinical testing. Allele origin: germline.
Comment: In silico analysis supports that this missense variant has a deleterious effect on protein structure/function; Has not been previously published as pathogenic or benign to our knowledge

CeGaT Center for Human Genetics Tuebingen
Classification: Uncertain significance. Last evaluated: 2026-03-01. Review status: criteria provided, single submitter. Criteria: CeGaT Center For Human Genetics Tuebingen Variant Classification Criteria Version 2. Collection method: clinical testing. Allele origin: germline. Affected: yes. Observed: 2 variant alleles.
Comment: MYH11: PM2

Labcorp Genetics (formerly Invitae), Labcorp
Classification: Uncertain significance for Aortic aneurysm, familial thoracic 4. Last evaluated: 2025-12-18. Review status: criteria provided, single submitter. Criteria: Invitae Variant Classification Sherloc (09022015). Collection method: clinical testing. Allele origin: germline.
Comment: This sequence change replaces arginine, which is basic and polar, with tryptophan, which is neutral and slightly polar, at codon 1248 of the MYH11 protein (p.Arg1248Trp). This variant is present in population databases (rs771515309, gnomAD 0.01%). This variant has not been reported in the literature in individuals affected with MYH11-related conditions. ClinVar contains an entry for this variant (Variation ID: 534151). Invitae Evidence Modeling of protein sequence and biophysical properties (such as structural, functional, and spatial information, amino acid conservation, physicochemical variation, residue mobility, and thermodynamic stability) indicates that this missense variant is not expected to disrupt MYH11 protein function with a negative predictive value of 95%. In summary, the available evidence is currently insufficient to determine the role of this variant in disease. Therefore, it has been classified as a Variant of Uncertain Significance.

Color Diagnostics, LLC DBA Color Health
Classification: Uncertain significance for Familial thoracic aortic aneurysm and aortic dissection. Last evaluated: 2025-11-10. Review status: criteria provided, single submitter. Criteria: ACMG Guidelines, 2015. Collection method: clinical testing. Allele origin: germline.
Comment: This missense variant replaces arginine with tryptophan at codon 1248 of the MYH11 protein. Computational prediction is inconclusive regarding the impact of this variant on protein structure and function. To our knowledge, functional studies have not been reported for this variant. This variant has not been reported in individuals affected with MYH11-related disorders in the literature. This variant has been identified in 28/1611784 chromosomes in the general population by the Genome Aggregation Database (gnomAD). The available evidence is insufficient to determine the role of this variant in disease conclusively. Therefore, this variant is classified as a Variant of Uncertain Significance.

Ambry Genetics
Classification: Uncertain significance for Familial thoracic aortic aneurysm and aortic dissection. Last evaluated: 2023-10-12. Review status: criteria provided, single submitter. Criteria: Ambry Variant Classification Scheme 2023. Collection method: clinical testing. Allele origin: germline.
Comment: The p.R1241W variant (also known as c.3721C>T), located in coding exon 27 of the MYH11 gene, results from a C to T substitution at nucleotide position 3721. The arginine at codon 1241 is replaced by tryptophan, an amino acid with dissimilar properties. This amino acid position is well conserved in available vertebrate species. In addition, the in silico prediction for this alteration is inconclusive. Since supporting evidence is limited at this time, the clinical significance of this alteration remains unclear.

Fulgent Genetics
Classification: Uncertain significance for Aortic aneurysm, familial thoracic 4; Visceral myopathy 2; Megacystis-microcolon-intestinal hypoperistalsis syndrome 2. Last evaluated: 2021-09-19. Review status: criteria provided, single submitter. Criteria: ACMG Guidelines, 2015. Collection method: clinical testing. Allele origin: unknown.

Mayo Clinic Laboratories, Mayo Clinic
Classification: Uncertain significance. Last evaluated: 2021-03-31. Review status: criteria provided, single submitter. Criteria: ACMG Guidelines, 2015. Collection method: clinical testing. Allele origin: germline.